The following is an entry in ClinVar:

ClinVar aggregate classification (germline): Uncertain significance (1 of 4 stars; one submission).

Allele frequency attached by ClinVar (database versions not stated): gnomAD 0.00004; TOPMed 0.00004.
gnomAD v4.1: 7 of 1,614,142 alleles (0.00043%); highest among the groups gnomAD compares: African/African-American, 0.004%; no homozygotes.

Submission:

Labcorp Genetics (formerly Invitae), Labcorp
Classification: Uncertain significance. Last evaluated: 2024-04-30. Review status: criteria provided, single submitter. Criteria: Invitae Variant Classification Sherloc (09022015). Collection method: clinical testing. Allele origin: germline.
Comment: This sequence change replaces glycine, which is neutral and non-polar, with valine, which is neutral and non-polar, at codon 412 of the SLC39A7 protein (p.Gly412Val). This variant is not present in population databases (gnomAD no frequency). This variant has not been reported in the literature in individuals affected with SLC39A7-related conditions. An algorithm developed to predict the effect of missense changes on protein structure and function (PolyPhen-2) suggests that this variant is likely to be disruptive. In summary, the available evidence is currently insufficient to determine the role of this variant in disease. Therefore, it has been classified as a Variant of Uncertain Significance.

NM_006979.3(SLC39A7):c.1235G>T (p.Gly412Val)

Gene: SLC39A7 (solute carrier family 39 member 7; plus strand). Cytogenetic location: 6p21.32.
Variant type: single nucleotide variant.
Coding change: c.1235G>T on transcript NM_006979.3 (MANE Select); coding-DNA position 1235, G replaced by T.
Protein change: p.Gly412Val; replaces glycine 412 with valine.
Molecular consequence: missense variant.
Genome position (GRCh38, 1-based): chr6:33,203,638, G>T. VCF-style: chr6-33203638-G-T. GRCh37 (hg19) VCF-style: chr6-33171415-G-T.
Other names: c.1235G>T, p.Gly412Val (NM_001077516.2); c.860G>T, p.Gly287Val (NM_001288777.2); short protein forms G287V, G412V.
Identifiers: ClinVar variation 2987608 (VCV002987608.3), dbSNP rs940613535, ClinGen allele CA137060418.
Genomic context (GRCh38, chr6:33,203,638, plus strand): 5'-TGGCAGGCACAGCCTGTGCCCTTCTCACTGAAGGAGGAGCAGTGGGCAGTGAAATTGCAG[G>T]TGGTGCAGGTCCTGGCTGGGTCCTGCCATTTACTGCAGGTGGCTTTATCTACGTAGCAAC-3'
Protein context (NP_008910.2, residues 402-422): EGGAVGSEIA[Gly412Val]GAGPGWVLPF